The following is an entry in ClinVar:

NM_002834.5(PTPN11):c.1661G>A (p.Ser554Asn)

Gene: PTPN11 (protein tyrosine phosphatase non-receptor type 11; plus strand). Cytogenetic location: 12q24.13.
Variant type: single nucleotide variant.
Coding change: c.1661G>A on transcript NM_002834.5 (MANE Select); coding-DNA position 1661, G replaced by A.
Protein change: p.Ser554Asn; replaces serine 554 with asparagine.
Molecular consequence: missense variant.
Genome position (GRCh38, 1-based): chr12:112,502,205, G>A. VCF-style: chr12-112502205-G-A. GRCh37 (hg19) VCF-style: chr12-112940009-G-A.
Other names: c.1673G>A, p.Ser558Asn (NM_001330437.2); c.1658G>A, p.Ser553Asn (NM_001374625.1); short protein forms S554N, S558N, S553N.
Identifiers: ClinVar variation 546489 (VCV000546489.2), dbSNP rs1555271397, ClinGen allele CA386783407.

ClinVar aggregate classification (germline): Uncertain significance (1 of 4 stars; one submission).

Allele frequency attached by ClinVar (database versions not stated): gnomAD exomes below 0.00001.
gnomAD v4.1: 4 of 1,613,948 alleles (0.00025%); highest among the groups gnomAD compares: African/African-American, 0.0013%; no homozygotes.

Submission:

GeneDx
Classification: Uncertain significance. Last evaluated: 2018-05-24. Review status: criteria provided, single submitter. Criteria: GeneDx Variant Classification (06012015). Collection method: clinical testing. Allele origin: germline. Affected: yes.
Comment: A variant of uncertain significance has been identified in the PTPN11 gene. The S554N variant has not been published as pathogenic or been reported as benign to our knowledge. This variant is also not observed in large population cohorts (Lek et al., 2016). However, the S554N variant is a conservative amino acid substitution, which is not likely to impact secondary protein structure as these residues share similar properties. Additionally, in-silico analyses, including protein predictors and evolutionary conservation, support that this variant does not alter protein structure/function.